The following is an entry in ClinVar:

ClinVar aggregate classification (germline): Conflicting classifications of pathogenicity. Review status: criteria provided, conflicting classifications (1 of 4 stars). 2 submissions from 2 submitters: Uncertain significance (1); Likely benign (1). Last evaluated 2023-03-23.

Conditions:
Hereditary cancer-predisposing syndrome. Also called: Neoplastic Syndromes, Hereditary; Tumor predisposition; Hereditary Cancer Syndrome; Hereditary neoplastic syndrome. Identifiers: Orphanet 140162, MedGen C0027672, MeSH D009386, MONDO:0015356.

Submissions (2):

University of Washington Department of Laboratory Medicine, University of Washington
Classification: Likely benign for Hereditary cancer-predisposing syndrome. Last evaluated: 2023-03-23. Review status: criteria provided, single submitter. Criteria: Dines et al. (Genet Med. 2020). Collection method: curation. Allele origin: germline.
Comment: Missense variant in a coldspot region where missense variants are very unlikely to be pathogenic (PMID:31911673).

BRCA1 coldspot (exon 11 using historical exon numbering). Reclassification based on statistical prior probability

Ambry Genetics
Classification: Uncertain significance for Hereditary cancer-predisposing syndrome. Last evaluated: 2015-08-06. Review status: criteria provided, single submitter. Criteria: Ambry Variant Classification Scheme 2023. Collection method: clinical testing. Allele origin: germline.
Comment: The p.D746Y variant (also known as c.2236G>T and 2355G>T), located in coding exon 9 of the BRCA1 gene, results from a G to T substitution at nucleotide position 2236. The aspartic acid at codon 746 is replaced by tyrosine, an amino acid with highly dissimilar properties. This variant was not reported in population based cohorts in the following databases: Database of Single Nucleotide Polymorphisms (dbSNP), NHLBI Exome Sequencing Project (ESP), and 1000 Genomes Project. In the ESP, this variant was not observed in 6503 samples (13006 alleles) with coverage at this position. To date, this alteration has been detected with an allele frequency of approximately 0.001% (greater than 150000 alleles tested) in our clinical cohort. This amino acid position is not well conserved on limited alignment. However, this alteration is predicted to be possibly damaging and deleterious by PolyPhen and SIFT in silico analyses, respectively. Since supporting evidence is limited at this time, the clinical significance of p.D746Y remains unclear. .

NM_007294.4(BRCA1):c.2236G>T (p.Asp746Tyr)

Gene: BRCA1 (BRCA1 DNA repair associated; minus strand). Cytogenetic location: 17q21.31.
Variant type: single nucleotide variant.
Coding change: c.2236G>T on transcript NM_007294.4 (MANE Select); coding-DNA position 2236, G replaced by T.
Protein change: p.Asp746Tyr; replaces aspartic acid 746 with tyrosine.
Molecular consequence: missense variant. On other transcripts: intron variant (137).
Genome position (GRCh38, 1-based): chr17:43,093,295, C>A on the plus strand (G>T on the coding strand, the complement: BRCA1 is on the minus strand). VCF-style: chr17-43093295-C-A. GRCh37 (hg19) VCF-style: chr17-41245312-C-A.
Other names: c.2233G>T, p.Asp745Tyr (NM_001407615.1, NM_001407627.1, NM_001407628.1 and 22 more transcripts); c.2236G>T, p.Asp746Tyr (NM_001407616.1, NM_001407617.1, NM_001407618.1 and 30 more transcripts); c.2227G>T, p.Asp743Tyr (NM_001407646.1, NM_001407647.1); c.2113G>T, p.Asp705Tyr (NM_001407648.1, NM_001407664.1, NM_001407665.1 and 19 more transcripts); c.2110G>T, p.Asp704Tyr (NM_001407649.1, NM_001407670.1, NM_001407671.1 and 11 more transcripts); c.2158G>T, p.Asp720Tyr (NM_001407653.1, NM_001407654.1, NM_001407655.1 and 4 more transcripts); c.2155G>T, p.Asp719Tyr (NM_001407659.1, NM_001407660.1, NM_001407661.1 and 1 more transcripts); c.2095G>T, p.Asp699Tyr (NM_001407692.1, NM_001407694.1, NM_001407695.1 and 29 more transcripts); and 41 more; short protein forms D746Y, D699Y, D634Y, D635Y, D675Y, D679Y, D745Y, D450Y.
Identifiers: ClinVar variation 233217 (VCV000233217.8), dbSNP rs876660267, ClinGen allele CA10580627.